The following is an entry in ClinVar:

ClinVar aggregate classification (germline): Benign. Review status: criteria provided, multiple submitters, no conflicts (2 of 4 stars). 10 submissions from 10 submitters: Benign (8). 2 of the submissions do not count toward it. Last evaluated 2026-02-03.

Conditions:
Cardiovascular phenotype. Identifiers: MedGen CN230736.
Progressive familial heart block type IB (PFHB1B). Identifiers: Orphanet 871, MedGen C1970298, MONDO:0011474, OMIM 604559.

Allele frequency attached by ClinVar (database versions not stated): ESP Exome Variant Server 0.02753; gnomAD 0.03220 and 0.03430; TOPMed 0.03844; gnomAD exomes 0.04863; ExAC 0.05087; 1000 Genomes Project 30x 0.05528; 1000 Genomes Project 0.05970.
gnomAD v4.1: 68,974 of 1,609,608 alleles (4.3%); highest among the groups gnomAD compares: East Asian, 12%; 1,769 homozygotes.

Submissions (10):

Labcorp Genetics (formerly Invitae), Labcorp
Classification: Benign for Progressive familial heart block type IB. Last evaluated: 2026-02-03. Review status: criteria provided, single submitter. Criteria: Invitae Variant Classification Sherloc (09022015). Collection method: clinical testing. Allele origin: germline.

Molecular Diagnostic Laboratory for Inherited Cardiovascular Disease, Montreal Heart Institute
Classification: Benign. Last evaluated: 2025-04-09. Review status: criteria provided, single submitter. Criteria: ACMG Guidelines, 2015. Collection method: clinical testing. Allele origin: germline. Affected: no.

Blueprint Genetics
Classification: Benign. Last evaluated: 2024-11-28. Review status: criteria provided, single submitter. Criteria: ACMG Guidelines, 2015. Collection method: clinical testing. Allele origin: germline.

Women's Health and Genetics/Laboratory Corporation of America, LabCorp
Classification: Benign. Last evaluated: 2023-04-10. Review status: criteria provided, single submitter. Criteria: LabCorp Variant Classification Summary - May 2015. Collection method: clinical testing. Allele origin: germline.

Illumina Laboratory Services, Illumina
Classification: Benign for Progressive familial heart block type IB. Last evaluated: 2018-01-12. Review status: criteria provided, single submitter. Criteria: ICSL Variant Classification Criteria 13 December 2019. Collection method: clinical testing. Allele origin: germline.
Comment: This variant was observed in the ICSL laboratory as part of a predisposition screen in an ostensibly healthy population. It had not been previously curated by ICSL or reported in the Human Gene Mutation Database (HGMD: prior to June 1st, 2018), and was therefore a candidate for classification through an automated scoring system. Utilizing variant allele frequency, disease prevalence and penetrance estimates, and inheritance mode, an automated score was calculated to assess if this variant is too frequent to cause the disease. Based on the score and internal cut-off values, a variant classified as benign is not then subjected to further curation. The score for this variant resulted in a classification of benign for this disease.

GeneDx
Classification: Benign. Last evaluated: 2016-09-30. Review status: criteria provided, single submitter. Criteria: GeneDx Variant Classification (06012015). Collection method: clinical testing. Allele origin: germline. Affected: yes.
Comment: This variant is considered likely benign or benign based on one or more of the following criteria: it is a conservative change, it occurs at a poorly conserved position in the protein, it is predicted to be benign by multiple in silico algorithms, and/or has population frequency not consistent with disease.

Ambry Genetics
Classification: Benign for Cardiovascular phenotype. Last evaluated: 2015-03-23. Review status: criteria provided, single submitter. Criteria: Ambry Variant Classification Scheme 2023. Collection method: clinical testing. Allele origin: germline.

Breakthrough Genomics
Classification: Benign. Review status: criteria provided, single submitter. Criteria: ACMG Guidelines, 2015. Collection method: not provided. Allele origin: germline. Inheritance: Autosomal dominant inheritance. Affected: yes.

Clinical Genetics, Academic Medical Center
Classification: Benign. Review status: no assertion criteria provided. Collection method: clinical testing. Allele origin: germline. Affected: yes. Study: VKGL Data-share Consensus. Not counted in ClinVar's aggregate classification.

Joint Genome Diagnostic Labs from Nijmegen and Maastricht, Radboudumc and MUMC+
Classification: Benign. Review status: no assertion criteria provided. Collection method: clinical testing. Allele origin: germline. Affected: yes. Study: VKGL Data-share Consensus. Not counted in ClinVar's aggregate classification.

NM_017636.4(TRPM4):c.1041G>T (p.Leu347=)

Gene: TRPM4 (transient receptor potential cation channel subfamily M member 4; plus strand). Cytogenetic location: 19q13.33.
Variant type: single nucleotide variant.
Coding change: c.1041G>T on transcript NM_017636.4 (MANE Select); coding-DNA position 1041, G replaced by T.
Protein change: p.Leu347=; no amino-acid change (leucine 347 retained).
Molecular consequence: synonymous variant. On other transcripts: 5 prime UTR variant (1).
Genome position (GRCh38, 1-based): chr19:49,171,760, G>T. VCF-style: chr19-49171760-G-T. GRCh37 (hg19) VCF-style: chr19-49675017-G-T.
Other names: c.1041G>T, p.Leu347= (NM_001195227.2); c.696G>T, p.Leu232= (NM_001321281.2); c.-513G>T (NM_001321282.2); c.519G>T, p.Leu173= (NM_001321283.2); c.192G>T, p.Leu64= (NM_001321285.2).
Identifiers: ClinVar variation 329852 (VCV000329852.25), dbSNP rs61732831, ClinGen allele CA9569045.
Genomic context (GRCh38, chr19:49,171,760, plus strand): 5'-GCAAGGCGAAGCCCGAGATCGAATCAGGCGTTTCTTTCCCAAAGGGGACCTTGAGGTCCT[G>T]CAGGCCCAGGTATGACACTGGGGGCCCAACTCTGGATCCTGAGATGGGAGGGAACTGGGG-3'
Protein context (NP_060106.2, residues 337-357): RFFPKGDLEV[Leu347=]QAQVERIMTR